The following is an entry in ClinVar:

NM_000540.3(RYR1):c.6223A>G (p.Lys2075Glu)

Gene: RYR1 (ryanodine receptor 1; plus strand). Cytogenetic location: 19q13.2.
Variant type: single nucleotide variant.
Coding change: c.6223A>G on transcript NM_000540.3 (MANE Select); coding-DNA position 6223, A replaced by G.
Protein change: p.Lys2075Glu; replaces lysine 2075 with glutamic acid.
Molecular consequence: missense variant.
Genome position (GRCh38, 1-based): chr19:38,492,585, A>G. VCF-style: chr19-38492585-A-G. GRCh37 (hg19) VCF-style: chr19-38983225-A-G.
Other names: c.6223A>G, p.Lys2075Glu (NM_001042723.2); short protein forms K2075E.
Identifiers: ClinVar variation 3385417 (VCV003385417.1).
Genomic context (GRCh38, chr19:38,492,585, plus strand): 5'-GAAGAGACCACCCTGGGCAGCCGCCTCATGAGCCTGTTGGAGAAAGTGCGGCTGGTGAAG[A>G]AGAAGGAAGAGAAACCTGAGGAGGAGCGGTCAGCAGAGGAGAGCAAACCCCGTGAGGACT-3'
Protein context (NP_000531.2, residues 2065-2085): SLLEKVRLVK[Lys2075Glu]KEEKPEEERS

ClinVar aggregate classification (germline): Uncertain significance (1 of 4 stars; one submission).

Conditions:
Malignant hyperthermia, susceptibility to, 1 (MHS1). Also called: Anesthesia related hyperthermia; Malignant hyperpyrexia; Fulminating hyperpyrexia; Pharmacogenic myopathy; Malignant hyperthermia suceptibility 1; RYR1-Related Malignant Hyperthermia Susceptibility. Identifiers: Orphanet 423, MedGen C2930980, MONDO:0007783, OMIM 145600.

Submission:

All of Us Research Program, National Institutes of Health
Classification: Uncertain significance for Malignant hyperthermia, susceptibility to, 1. Last evaluated: 2024-05-09. Review status: criteria provided, single submitter. Criteria: ACMG Guidelines, 2015. Collection method: clinical testing. Allele origin: germline. Inheritance: Autosomal dominant inheritance. Observed: 1 variant allele, 1 heterozygote.
Comment: This study involves interpretation of variants in research participants for the purpose of population health screening. Participant phenotype was not available at the time of variant classification. Additional details can be found in publication PMID: 35346344, PMCID: PMC8962531